The following is an entry in ClinVar:

ClinVar aggregate classification (germline): Likely benign. Review status: criteria provided, multiple submitters, no conflicts (2 of 4 stars). 3 submissions from 3 submitters: Likely benign (3). Last evaluated 2026-04-14.

Conditions:
Cardiovascular phenotype. Identifiers: MedGen CN230736.

Allele frequency attached by ClinVar (database versions not stated): gnomAD exomes below 0.00001 and 0.00001; gnomAD 0.00002; TOPMed 0.00002; ExAC 0.00003; ESP Exome Variant Server 0.00016.
gnomAD v4.1: 4 of 1,612,272 alleles (0.00025%); highest among the groups gnomAD compares: African/African-American, 0.0053%; no homozygotes.

Submissions (3):

Women's Health and Genetics/Laboratory Corporation of America, LabCorp
Classification: Likely benign. Last evaluated: 2026-04-14. Review status: criteria provided, single submitter. Criteria: LabCorp Variant Classification Summary - May 2015. Collection method: clinical testing. Allele origin: germline.
Comment: Variant summary: TTN c.39612A>G alters a conserved nucleotide resulting in a synonymous change. Consensus agreement among computation tools predict no significant impact on normal splicing. However, these predictions have yet to be confirmed by functional studies. The variant allele was found at a frequency of 1.2e-05 in 247518 control chromosomes. The available data on variant occurrences in the general population are insufficient to allow any conclusion about variant significance. To our knowledge, no occurrence of c.39612A>G in individuals affected with TTN-related conditions and no experimental evidence demonstrating its impact on protein function have been reported. ClinVar contains an entry for this variant (Variation ID: 387172). Based on the evidence outlined above, the variant was classified as likely benign.

Ambry Genetics
Classification: Likely benign for Cardiovascular phenotype. Last evaluated: 2023-11-09. Review status: criteria provided, single submitter. Criteria: Ambry Variant Classification Scheme 2023. Collection method: clinical testing. Allele origin: germline.

GeneDx
Classification: Likely benign. Last evaluated: 2016-07-01. Review status: criteria provided, single submitter. Criteria: GeneDx Variant Classification (06012015). Collection method: clinical testing. Allele origin: germline. Affected: yes.
Comment: This variant is considered likely benign or benign based on one or more of the following criteria: it is a conservative change, it occurs at a poorly conserved position in the protein, it is predicted to be benign by multiple in silico algorithms, and/or has population frequency not consistent with disease.

NM_001267550.2(TTN):c.47316A>G (p.Arg15772=)

Genes: TTN (titin; minus strand), TTN-AS1 (TTN antisense RNA 1; plus strand). Cytogenetic location: 2q31.2.
Variant type: single nucleotide variant.
Coding change: c.47316A>G on transcript NM_001267550.2 (MANE Select); coding-DNA position 47316, A replaced by G.
Protein change: p.Arg15772=; no amino-acid change (arginine 15772 retained).
Molecular consequence: synonymous variant.
Genome position (GRCh38, 1-based): chr2:178,618,035, T>C on the plus strand (A>G on the coding strand, the complement: TTN is on the minus strand). VCF-style: chr2-178618035-T-C. GRCh37 (hg19) VCF-style: chr2-179482762-T-C.
Other names: c.42393A>G, p.Arg14131= (NM_001256850.1); c.20121A>G, p.Arg6707= (NM_003319.4); c.39612A>G, p.Arg13204= (NM_133378.4); c.20496A>G, p.Arg6832= (NM_133432.3); c.20697A>G, p.Arg6899= (NM_133437.4).
Identifiers: ClinVar variation 387172 (VCV000387172.3), dbSNP rs367818218, ClinGen allele CA1995065.